The following is an entry in ClinVar:

ClinVar aggregate classification (germline): Conflicting classifications of pathogenicity. Review status: criteria provided, conflicting classifications (1 of 4 stars). 2 submissions from 2 submitters: Likely pathogenic (1); Uncertain significance (1). Last evaluated 2026-01-19.

Conditions:
USH2A-related disorder. Also called: USH2A-related condition; USH2A-related disorders. Identifiers: MedGen CN239332.

Allele frequency attached by ClinVar (database versions not stated): gnomAD 0.00001; TOPMed 0.00001.
gnomAD v4.1: 1 of 1,613,474 alleles (0.000062%); highest among the groups gnomAD compares: African/African-American, 0.0013%; no homozygotes.

Submissions (2):

Labcorp Genetics (formerly Invitae), Labcorp
Classification: Likely pathogenic. Last evaluated: 2026-01-19. Review status: criteria provided, single submitter. Criteria: Invitae Variant Classification Sherloc (09022015). Collection method: clinical testing. Allele origin: germline.
Comment: This sequence change replaces tyrosine, which is neutral and polar, with asparagine, which is neutral and polar, at codon 1397 of the USH2A protein (p.Tyr1397Asn). This variant is present in population databases (no rsID available, gnomAD 0.007%). This missense change has been observed in individual(s) with clinical features of Usher syndrome (internal data). In at least one individual the data is consistent with being in trans (on the opposite chromosome) from a pathogenic variant. ClinVar contains an entry for this variant (Variation ID: 2791014). Invitae Evidence Modeling of protein sequence and biophysical properties (such as structural, functional, and spatial information, amino acid conservation, physicochemical variation, residue mobility, and thermodynamic stability) indicates that this missense variant is expected to disrupt USH2A protein function with a positive predictive value of 95%. In summary, the currently available evidence indicates that the variant is pathogenic, but additional data are needed to prove that conclusively. Therefore, this variant has been classified as Likely Pathogenic.

Myriad Genetics, Inc.
Classification: Uncertain significance for USH2A-related disorder. Last evaluated: 2025-08-14. Review status: criteria provided, single submitter. Criteria: Myriad Autosomal Dominant, Autosomal Recessive and X-Linked Classification Criteria (2023). Collection method: clinical testing. Allele origin: unknown.
Comment: NM_206933.2(USH2A):c.4189T>A(Y1397N) is a missense variant classified as a variant of uncertain significance in the context of USH2A-related disorders. Y1397N has not been observed in cases with relevant disease. Relevant functional assessments of this variant are not available in the literature. Y1397N has been observed in referenced population frequency databases. In summary, there is insufficient evidence to classify NM_206933.2(USH2A):c.4189T>A(Y1397N) as pathogenic or benign. Please note: this variant was assessed in the context of healthy population screening.

NM_206933.4(USH2A):c.4189T>A (p.Tyr1397Asn)

Genes: USH2A (usherin; minus strand), USH2A-AS1 (USH2A antisense RNA 1; plus strand). Cytogenetic location: 1q41.
Variant type: single nucleotide variant.
Coding change: c.4189T>A on transcript NM_206933.4 (MANE Select); coding-DNA position 4189, T replaced by A.
Protein change: p.Tyr1397Asn; replaces tyrosine 1397 with asparagine.
Molecular consequence: missense variant.
Genome position (GRCh38, 1-based): chr1:216,196,615, A>T on the plus strand (T>A on the coding strand, the complement: USH2A is on the minus strand). VCF-style: chr1-216196615-A-T. GRCh37 (hg19) VCF-style: chr1-216369957-A-T.
Other names: c.4189T>A, p.Tyr1397Asn (NM_007123.6); short protein forms Y1397N.
Identifiers: ClinVar variation 2791014 (VCV002791014.4), dbSNP rs1160453822, ClinGen allele CA344866340.
Genomic context (GRCh38, chr1:216,196,615, plus strand): 5'-GTGAAAACGCCATGGGAATAGACTGTTGAGGTGATTGTTCAGAAAGCATATTGATGTCAT[A>T]CCCCACAACTTTTCCTCTTGTAACATTATCTGCTGGCTTCTCCCAGGAGATATTGAGAGA-3'
Protein context (NP_996816.3, residues 1387-1407): DNVTRGKVVG[Tyr1397Asn]DINMLSEQSP